The following is an entry in ClinVar:

ClinVar aggregate classification (germline): Uncertain significance (1 of 4 stars; one submission).

Conditions:
Ehlers-Danlos syndrome, classic type, 1 (EDSCL1). Also called: EHLERS-DANLOS SYNDROME, GRAVIS TYPE; EHLERS-DANLOS SYNDROME, SEVERE CLASSIC TYPE; Ehlers-Danlos syndrome, type 1; Ehlers-Danlos Syndrome, Classic Type, COL5A1-Related; EDS I. Identifiers: MedGen C0268335, MONDO:0019567, OMIM 130000.

Submission:

Labcorp Genetics (formerly Invitae), Labcorp
Classification: Uncertain significance for Ehlers-Danlos syndrome, classic type, 1. Last evaluated: 2024-11-28. Review status: criteria provided, single submitter. Criteria: Invitae Variant Classification Sherloc (09022015). Collection method: clinical testing. Allele origin: germline.
Comment: This sequence change replaces alanine, which is neutral and non-polar, with glycine, which is neutral and non-polar, at codon 1397 of the COL5A2 protein (p.Ala1397Gly). This variant is not present in population databases (gnomAD no frequency). This variant has not been reported in the literature in individuals affected with COL5A2-related conditions. Invitae Evidence Modeling of protein sequence and biophysical properties (such as structural, functional, and spatial information, amino acid conservation, physicochemical variation, residue mobility, and thermodynamic stability) indicates that this missense variant is not expected to disrupt COL5A2 protein function with a negative predictive value of 80%. In summary, the available evidence is currently insufficient to determine the role of this variant in disease. Therefore, it has been classified as a Variant of Uncertain Significance.

NM_000393.5(COL5A2):c.4190C>G (p.Ala1397Gly)

Gene: COL5A2 (collagen type V alpha 2 chain; minus strand). Cytogenetic location: 2q32.2.
Variant type: single nucleotide variant.
Coding change: c.4190C>G on transcript NM_000393.5 (MANE Select); coding-DNA position 4190, C replaced by G.
Protein change: p.Ala1397Gly; replaces alanine 1397 with glycine.
Molecular consequence: missense variant.
Genome position (GRCh38, 1-based): chr2:189,035,079, G>C on the plus strand (C>G on the coding strand, the complement: COL5A2 is on the minus strand). VCF-style: chr2-189035079-G-C. GRCh37 (hg19) VCF-style: chr2-189899805-G-C.
Other names: short protein forms A1397G.
Identifiers: ClinVar variation 3715720 (VCV003715720.2).